The following is an entry in ClinVar:

NM_144997.7(FLCN):c.1038dup (p.Lys347fs)

Gene: FLCN (folliculin; minus strand). Cytogenetic location: 17p11.2.
Variant type: Duplication.
Coding change: c.1038dup on transcript NM_144997.7 (MANE Select); coding-DNA position 1038, one base duplicated (C; older notation c.1038dupC).
Protein change: p.Lys347fs; shifts the reading frame from lysine 347.
Molecular consequence: frameshift variant.
Genome position (GRCh38, 1-based): chr17:17,219,043, G duplicated on the plus strand (C on the coding strand, the reverse complement: FLCN is on the minus strand). VCF-style (leftmost placement, unchanged base first): chr17-17219042-T-TG. GRCh37 (hg19) VCF-style: chr17-17122356-T-TG.
Other names: c.1092dup, p.Lys365fs (NM_001353229.2); c.1038dup, p.Lys347fs (NM_001353230.2, NM_001353231.2); c.1038dupC (NM_144997.5); short protein forms K365fs, K347fs.
Identifiers: ClinVar variation 2566308 (VCV002566308.3), dbSNP rs2544193402, ClinGen allele CA2580614014.

ClinVar aggregate classification (germline): Pathogenic/Likely pathogenic. Review status: criteria provided, multiple submitters, no conflicts (2 of 4 stars). 2 submissions from 2 submitters: Pathogenic (1); Likely pathogenic (1). Last evaluated 2023-10-11.

Conditions:
Hereditary cancer-predisposing syndrome. Also called: Neoplastic Syndromes, Hereditary; Hereditary Cancer Syndrome; Hereditary neoplastic syndrome; Tumor predisposition. Identifiers: Orphanet 140162, MedGen C0027672, MeSH D009386, MONDO:0015356.

Submissions (2):

Clinical Genetics Laboratory, Skane University Hospital Lund
Classification: Likely pathogenic. Last evaluated: 2023-10-11. Review status: criteria provided, single submitter. Criteria: ACMG Guidelines, 2015. Collection method: clinical testing. Allele origin: germline. Affected: yes.

Ambry Genetics
Classification: Pathogenic for Hereditary cancer-predisposing syndrome. Last evaluated: 2023-03-18. Review status: criteria provided, single submitter. Criteria: Ambry Variant Classification Scheme 2023. Collection method: clinical testing. Allele origin: germline.
Comment: The c.1038dupC pathogenic mutation, located in coding exon 6 of the FLCN gene, results from a duplication of C at nucleotide position 1038, causing a translational frameshift with a predicted alternate stop codon (p.K347Qfs*43). This alteration is expected to result in loss of function by premature protein truncation or nonsense-mediated mRNA decay. As such, this alteration is interpreted as a disease-causing mutation.